The following is an entry in ClinVar:

ClinVar aggregate classification (germline): Uncertain significance (1 of 4 stars; one submission).

Conditions:
Cardiovascular phenotype. Identifiers: MedGen CN230736.

Submission:

Ambry Genetics
Classification: Uncertain significance for Cardiovascular phenotype. Last evaluated: 2025-04-30. Review status: criteria provided, single submitter. Criteria: Ambry Variant Classification Scheme 2023. Collection method: clinical testing. Allele origin: germline.
Comment: The p.V369F variant (also known as c.1105G>T), located in coding exon 1 of the DOLK gene, results from a G to T substitution at nucleotide position 1105. The valine at codon 369 is replaced by phenylalanine, an amino acid with highly similar properties. This amino acid position is conserved. In addition, the in silico prediction for this alteration is inconclusive. Based on the available evidence, the clinical significance of this variant remains unclear.

NM_014908.4(DOLK):c.1105G>T (p.Val369Phe)

Gene: DOLK (dolichol kinase; minus strand). Cytogenetic location: 9q34.11.
Variant type: single nucleotide variant.
Coding change: c.1105G>T on transcript NM_014908.4 (MANE Select); coding-DNA position 1105, G replaced by T.
Protein change: p.Val369Phe; replaces valine 369 with phenylalanine.
Molecular consequence: missense variant.
Genome position (GRCh38, 1-based): chr9:128,946,199, C>A on the plus strand (G>T on the coding strand, the complement: DOLK is on the minus strand). VCF-style: chr9-128946199-C-A. GRCh37 (hg19) VCF-style: chr9-131708478-C-A.
Other names: short protein forms V369F.
Identifiers: ClinVar variation 4014380 (VCV004014380.1).
Genomic context (GRCh38, chr9:128,946,199, plus strand): 5'-GTAGAGTGTGACCCAAAGGCTTGATGCGGAAGTAGCGCACATACTCCAGGAAGATGAAGA[C>A]CGCCAGGCATACAGTGGCGGCTACATAGAGCAGTGGCCGGTCAAAGATGATACCTGGGAT-3'
Protein context (NP_055723.1, residues 359-379): LYVAATVCLA[Val369Phe]FIFLEYVRYF